The following is an entry in ClinVar:

NM_002755.4(MAP2K1):c.845A>G (p.Asp282Gly)

Gene: MAP2K1 (mitogen-activated protein kinase kinase 1; plus strand). Cytogenetic location: 15q22.31.
Variant type: single nucleotide variant.
Coding change: c.845A>G on transcript NM_002755.4 (MANE Select); coding-DNA position 845, A replaced by G.
Protein change: p.Asp282Gly; replaces aspartic acid 282 with glycine.
Molecular consequence: missense variant.
Genome position (GRCh38, 1-based): chr15:66,485,141, A>G. VCF-style: chr15-66485141-A-G. GRCh37 (hg19) VCF-style: chr15-66777479-A-G.
Other names: c.701A>G, p.Asp234Gly (NM_001411065.1); short protein forms D234G, D282G.
Identifiers: ClinVar variation 3870091 (VCV003870091.1).

ClinVar aggregate classification (germline): Uncertain significance (1 of 4 stars; one submission).

Conditions:
Cardiovascular phenotype. Identifiers: MedGen CN230736.

gnomAD v4.1: 1 of 1,613,916 alleles (0.000062%); highest among the groups gnomAD compares: Non-Finnish European, 0.000085%; no homozygotes.

Submission:

Ambry Genetics
Classification: Uncertain significance for Cardiovascular phenotype. Last evaluated: 2025-02-04. Review status: criteria provided, single submitter. Criteria: Ambry Variant Classification Scheme 2023. Collection method: clinical testing. Allele origin: germline.
Comment: The p.D282G variant (also known as c.845A>G), located in coding exon 7 of the MAP2K1 gene, results from an A to G substitution at nucleotide position 845. The aspartic acid at codon 282 is replaced by glycine, an amino acid with similar properties. This amino acid position is conserved. In addition, this alteration is predicted to be tolerated by in silico analysis. Based on the available evidence, the clinical significance of this variant remains unclear.